The following is an entry in ClinVar:

NM_001098.3(ACO2):c.1313A>G (p.Asp438Gly)

Gene: ACO2 (aconitase 2; plus strand). Cytogenetic location: 22q13.2.
Variant type: single nucleotide variant.
Coding change: c.1313A>G on transcript NM_001098.3 (MANE Select); coding-DNA position 1313, A replaced by G.
Protein change: p.Asp438Gly; replaces aspartic acid 438 with glycine.
Molecular consequence: missense variant.
Genome position (GRCh38, 1-based): chr22:41,523,221, A>G. VCF-style: chr22-41523221-A-G. GRCh37 (hg19) VCF-style: chr22-41919225-A-G.
Other names: short protein forms D438G.
Identifiers: ClinVar variation 4774562 (VCV004774562.1).

ClinVar aggregate classification (germline): Uncertain significance (1 of 4 stars; one submission).

Submission:

Labcorp Genetics (formerly Invitae), Labcorp
Classification: Uncertain significance. Last evaluated: 2025-09-28. Review status: criteria provided, single submitter. Criteria: Invitae Variant Classification Sherloc (09022015). Collection method: clinical testing. Allele origin: germline.
Comment: This sequence change replaces aspartic acid, which is acidic and polar, with glycine, which is neutral and non-polar, at codon 438 of the ACO2 protein (p.Asp438Gly). This variant is not present in population databases (gnomAD no frequency). This variant has not been reported in the literature in individuals affected with ACO2-related conditions. Invitae Evidence Modeling of protein sequence and biophysical properties (such as structural, functional, and spatial information, amino acid conservation, physicochemical variation, residue mobility, and thermodynamic stability) indicates that this missense variant is not expected to disrupt ACO2 protein function with a negative predictive value of 80%. In summary, the available evidence is currently insufficient to determine the role of this variant in disease. Therefore, it has been classified as a Variant of Uncertain Significance.